The following is an entry in ClinVar:

NM_032578.4(MYPN):c.282T>C (p.Thr94=)

Gene: MYPN (myopalladin; plus strand). Cytogenetic location: 10q21.3.
Variant type: single nucleotide variant.
Coding change: c.282T>C on transcript NM_032578.4 (MANE Select); coding-DNA position 282, T replaced by C.
Protein change: p.Thr94=; no amino-acid change (threonine 94 retained).
Molecular consequence: synonymous variant. On other transcripts: 5 prime UTR variant (1), non-coding transcript variant (1).
Genome position (GRCh38, 1-based): chr10:68,121,720, T>C. VCF-style: chr10-68121720-T-C. GRCh37 (hg19) VCF-style: chr10-69881477-T-C.
Other names: c.282T>C, p.Thr94= (NM_001256267.2); c.-841T>C (NM_001256268.2).
Identifiers: ClinVar variation 388765 (VCV000388765.5), dbSNP rs371623282, ClinGen allele CA5522250.
Genomic context (GRCh38, chr10:68,121,720, plus strand): 5'-AAGTGTCAATTTGGCAAGACTGGCCATCAATTACGACCCTTTGGAGAAGGCAGATGAAAC[T>C]CAAGCTAGAAAACGACTTTCTCCTGATCAGATGAAACACTCACCTAATTTAAGTTTTGAG-3'
Protein context (NP_115967.2, residues 84-104): NYDPLEKADE[Thr94=]QARKRLSPDQ

ClinVar aggregate classification (germline): Likely benign. Review status: criteria provided, multiple submitters, no conflicts (2 of 4 stars). 4 submissions from 4 submitters: Likely benign (4). Last evaluated 2025-06-18.

Conditions:
MYPN-related disorder. Also called: MYPN-related condition.
Cardiovascular phenotype. Identifiers: MedGen CN230736.
Dilated cardiomyopathy 1KK (CMD1KK). Identifiers: Orphanet 154, Orphanet 75249, MedGen C3714995, MONDO:0014100, OMIM 615248.

Allele frequency attached by ClinVar (database versions not stated): gnomAD exomes below 0.00001; ExAC 0.00001; TOPMed 0.00002; gnomAD 0.00005; ESP Exome Variant Server 0.00008.
gnomAD v4.1: 9 of 1,614,060 alleles (0.00056%); highest among the groups gnomAD compares: African/African-American, 0.011%; no homozygotes.

Submissions (4):

PreventionGenetics, part of Exact Sciences
Classification: Likely benign for MYPN-related condition. Last evaluated: 2025-06-18. Review status: criteria provided, single submitter. Criteria: ACMG Guidelines, 2015. Collection method: clinical testing. Allele origin: germline.
Comment: This variant is classified as likely benign based on ACMG/AMP sequence variant interpretation guidelines (Richards et al. 2015 PMID: 25741868, with internal and published modifications).

Labcorp Genetics (formerly Invitae), Labcorp
Classification: Likely benign for Dilated cardiomyopathy 1KK. Last evaluated: 2025-03-04. Review status: criteria provided, single submitter. Criteria: Invitae Variant Classification Sherloc (09022015). Collection method: clinical testing. Allele origin: germline.

Ambry Genetics
Classification: Likely benign for Cardiovascular phenotype. Last evaluated: 2020-03-25. Review status: criteria provided, single submitter. Criteria: Ambry Variant Classification Scheme 2023. Collection method: clinical testing. Allele origin: germline.

GeneDx
Classification: Likely benign. Last evaluated: 2016-08-18. Review status: criteria provided, single submitter. Criteria: GeneDx Variant Classification (06012015). Collection method: clinical testing. Allele origin: germline. Affected: yes.
Comment: This variant is considered likely benign or benign based on one or more of the following criteria: it is a conservative change, it occurs at a poorly conserved position in the protein, it is predicted to be benign by multiple in silico algorithms, and/or has population frequency not consistent with disease.